The following is an entry in ClinVar:

NM_138501.6(TECR):c.16-15G>A

Gene: TECR (trans-2,3-enoyl-CoA reductase; plus strand). Cytogenetic location: 19p13.12.
Variant type: single nucleotide variant.
Coding change: c.16-15G>A on transcript NM_138501.6 (MANE Select); 15 bases into the intron before coding-DNA position 16, G replaced by A.
Molecular consequence: intron variant.
Genome position (GRCh38, 1-based): chr19:14,562,510, G>A. VCF-style: chr19-14562510-G-A. GRCh37 (hg19) VCF-style: chr19-14673322-G-A.
Other names: c.61-15G>A (NM_001321170.1).
Identifiers: ClinVar variation 212393 (VCV000212393.33), dbSNP rs113855270, ClinGen allele CA206797.
Genomic context (GRCh38, chr19:14,562,510, plus strand): 5'-GGCCTCAATGGGCTCCCCAGGCCCACACCCCCAAAGGTGGCCAAGAAACCTAAAAAGGCT[G>A]TTCTCTTCTTCGAGGTGGAGATTCTGGACGCAAAGACAAGGGAGAAGCTGTGTTTCTTGG-3'

ClinVar aggregate classification (germline): Benign/Likely benign. Review status: criteria provided, multiple submitters, no conflicts (2 of 4 stars). 6 submissions from 6 submitters: Benign (1); Likely benign (5). Last evaluated 2026-09-01.

Conditions:
Intellectual developmental disorder, autosomal recessive 14. Also called: Intellectual disability, autosomal recessive 14. Identifiers: Orphanet 88616, MedGen C3151462, MONDO:0013528, OMIM 614020.

Allele frequency attached by ClinVar (database versions not stated): 1000 Genomes Project 0.00220; 1000 Genomes Project 30x 0.00234; gnomAD exomes 0.00539 and 0.00885; ExAC 0.00554; gnomAD 0.00585 and 0.00612; TOPMed 0.00645; ESP Exome Variant Server 0.00730.
gnomAD v4.1: 13,850 of 1,614,162 alleles (0.86%); highest among the groups gnomAD compares: Non-Finnish European, 1%; 69 homozygotes.

Submissions (6):

CeGaT Center for Human Genetics Tuebingen
Classification: Benign. Last evaluated: 2026-09-01. Review status: criteria provided, single submitter. Criteria: CeGaT Center For Human Genetics Tuebingen Variant Classification Criteria Version 2. Collection method: clinical testing. Allele origin: germline. Affected: yes. Observed: 32 variant alleles.
Comment: TECR: BS1, BS2

Genomic Medicine Center of Excellence, King Faisal Specialist Hospital and Research Centre
Classification: Likely benign. Last evaluated: 2025-08-18. Review status: criteria provided, single submitter. Criteria: ACMG Guidelines, 2015. Collection method: clinical testing. Allele origin: germline.

Blueprint Genetics
Classification: Likely benign. Last evaluated: 2024-11-27. Review status: criteria provided, single submitter. Criteria: ACMG Guidelines, 2015. Collection method: clinical testing. Allele origin: germline.

Fulgent Genetics
Classification: Likely benign for Intellectual developmental disorder, autosomal recessive 14. Last evaluated: 2022-03-03. Review status: criteria provided, single submitter. Criteria: ACMG Guidelines, 2015. Collection method: clinical testing. Allele origin: unknown.

Genetic Services Laboratory, University of Chicago
Classification: Likely benign. Last evaluated: 2015-07-22. Review status: criteria provided, single submitter. Criteria: ACMG Guidelines, 2015. Collection method: clinical testing. Allele origin: germline.

Breakthrough Genomics
Classification: Likely benign. Review status: criteria provided, single submitter. Criteria: ACMG Guidelines, 2015. Collection method: not provided. Allele origin: germline. Inheritance: Autosomal recessive inheritance. Affected: yes.